The following is an entry in ClinVar:

NM_001711.6(BGN):c.797G>C (p.Arg266Thr)

Gene: BGN (biglycan; plus strand). Cytogenetic location: Xq28.
Variant type: single nucleotide variant.
Coding change: c.797G>C on transcript NM_001711.6 (MANE Select); coding-DNA position 797, G replaced by C.
Protein change: p.Arg266Thr; replaces arginine 266 with threonine.
Molecular consequence: missense variant.
Genome position (GRCh38, 1-based): chrX:153,507,073, G>C. VCF-style: chrX-153507073-G-C. GRCh37 (hg19) VCF-style: chrX-152772531-G-C.
Other names: short protein forms R266T.
Identifiers: ClinVar variation 3260837 (VCV003260837.1).

ClinVar aggregate classification (germline): Uncertain significance (1 of 4 stars; one submission).

Conditions:
Cardiovascular phenotype. Identifiers: MedGen CN230736.

Submission:

Ambry Genetics
Classification: Uncertain significance for Cardiovascular phenotype. Last evaluated: 2024-04-30. Review status: criteria provided, single submitter. Criteria: Ambry Variant Classification Scheme 2023. Collection method: clinical testing. Allele origin: germline.
Comment: The p.R266T variant (also known as c.797G>C), located in coding exon 6 of the BGN gene, results from a G to C substitution at nucleotide position 797. The arginine at codon 266 is replaced by threonine, an amino acid with similar properties. This amino acid position is well conserved in available vertebrate species. In addition, this alteration is predicted to be tolerated by in silico analysis. Based on the available evidence, the clinical significance of this variant remains unclear.